The following is an entry in ClinVar:

NR_003051.3(RMRP):n.-5delinsAACGCTGTGAAGCTGAGA

Gene: RMRP (RNA component of mitochondrial RNA processing endoribonuclease; minus strand). Cytogenetic location: 9p13.3.
Variant type: Indel.
Genome position: GRCh38 VCF-style: chr9-35658023-C-TCTCAGCTTCACAGCGTT. GRCh37 (hg19) VCF-style: chr9-35658020-C-TCTCAGCTTCACAGCGTT.
Identifiers: ClinVar variation 4817198 (VCV004817198.1).

ClinVar aggregate classification (germline): Likely pathogenic (1 of 4 stars; one submission).

Conditions:
Metaphyseal chondrodysplasia, McKusick type (CHH). Also called: Cartilage-hair hypoplasia; Cartilage-Hair Hypoplasia (CHH). Identifiers: Orphanet 175, MedGen C0220748, MONDO:0009595, OMIM 250250.

Submission:

Natera, Inc.
Classification: Likely pathogenic for Cartilage-hair hypoplasia. Last evaluated: 2025-12-23. Review status: criteria provided, single submitter. Criteria: Natera Variant Classification Schema (03/2026). Collection method: clinical testing. Allele origin: germline.
Comment: The n.-5delinsAACGCTGTGAAGCTGAGA variant in RMRP is a delins affecting the RMRP promoter region between the TATA box and the transcription initiation site. Other duplications and insertions just upstream of the transcription initiation site have been reported in individuals affected with cartilage-hair hypoplasia (PMID: 11207361, 17937437). This variant is rare in the general population with a frequency below the threshold expected for the associated phenotype(s). Given the available evidence, this variant is classified as Likely pathogenic.

Literature cited by the submitters: PubMed 11207361; PubMed 17937437.